The following is an entry in ClinVar:

NM_003664.5(AP3B1):c.1080G>A (p.Met360Ile)

Gene: AP3B1 (adaptor related protein complex 3 subunit beta 1; minus strand). Cytogenetic location: 5q14.1.
Variant type: single nucleotide variant.
Coding change: c.1080G>A on transcript NM_003664.5 (MANE Select); coding-DNA position 1080, G replaced by A.
Protein change: p.Met360Ile; replaces methionine 360 with isoleucine.
Molecular consequence: missense variant.
Genome position (GRCh38, 1-based): chr5:78,175,799, C>T on the plus strand (G>A on the coding strand, the complement: AP3B1 is on the minus strand). VCF-style: chr5-78175799-C-T. GRCh37 (hg19) VCF-style: chr5-77471623-C-T.
Other names: c.933G>A, p.Met311Ile (NM_001271769.2); c.1080G>A, p.Met360Ile (NM_001410752.1); short protein forms M311I, M360I.
Identifiers: ClinVar variation 3689348 (VCV003689348.2).

ClinVar aggregate classification (germline): Uncertain significance (1 of 4 stars; one submission).

Conditions:
Hermansky-Pudlak syndrome 2 (HPS2). Also called: Platelet defects and oculocutaneous albinism. Identifiers: Orphanet 183678, Orphanet 79430, MedGen C1842362, MONDO:0011997, OMIM 608233.

gnomAD v4.1: 5 of 1,612,392 alleles (0.00031%); highest among the groups gnomAD compares: Non-Finnish European, 0.00042%; no homozygotes.

Submission:

Labcorp Genetics (formerly Invitae), Labcorp
Classification: Uncertain significance for Hermansky-Pudlak syndrome 2. Last evaluated: 2024-05-21. Review status: criteria provided, single submitter. Criteria: Invitae Variant Classification Sherloc (09022015). Collection method: clinical testing. Allele origin: germline.
Comment: This sequence change replaces methionine, which is neutral and non-polar, with isoleucine, which is neutral and non-polar, at codon 360 of the AP3B1 protein (p.Met360Ile). This variant is present in population databases (rs762065522, gnomAD 0.0009%). This variant has not been reported in the literature in individuals affected with AP3B1-related conditions. An algorithm developed to predict the effect of missense changes on protein structure and function (PolyPhen-2) suggests that this variant is likely to be tolerated. In summary, the available evidence is currently insufficient to determine the role of this variant in disease. Therefore, it has been classified as a Variant of Uncertain Significance.